The following is an entry in ClinVar:

ClinVar aggregate classification (germline): Uncertain significance. Review status: criteria provided, multiple submitters, no conflicts (2 of 4 stars). 2 submissions from 2 submitters: Uncertain significance (2). Last evaluated 2024-06-19.

Allele frequency attached by ClinVar (database versions not stated): TOPMed 0.00001; gnomAD exomes 0.00002; ExAC 0.00003.
gnomAD v4.1: 24 of 1,613,900 alleles (0.0015%); highest among the groups gnomAD compares: Non-Finnish European, 0.0019%; no homozygotes.

Submissions (2):

Labcorp Genetics (formerly Invitae), Labcorp
Classification: Uncertain significance. Last evaluated: 2024-06-19. Review status: criteria provided, single submitter. Criteria: Invitae Variant Classification Sherloc (09022015). Collection method: clinical testing. Allele origin: germline.
Comment: This sequence change replaces cysteine, which is neutral and slightly polar, with phenylalanine, which is neutral and non-polar, at codon 1402 of the RP1 protein (p.Cys1402Phe). This variant is present in population databases (rs774475397, gnomAD 0.004%). This variant has not been reported in the literature in individuals affected with RP1-related conditions. ClinVar contains an entry for this variant (Variation ID: 1024443). Algorithms developed to predict the effect of missense changes on protein structure and function output the following: SIFT: "Not Available"; PolyPhen-2: "Benign"; Align-GVGD: "Not Available". The phenylalanine amino acid residue is found in multiple mammalian species, which suggests that this missense change does not adversely affect protein function. In summary, the available evidence is currently insufficient to determine the role of this variant in disease. Therefore, it has been classified as a Variant of Uncertain Significance.

Blueprint Genetics
Classification: Uncertain significance. Last evaluated: 2021-12-29. Review status: criteria provided, single submitter. Criteria: ACMG Guidelines, 2015. Collection method: clinical testing. Allele origin: germline.

NM_006269.2(RP1):c.4205G>T (p.Cys1402Phe)

Gene: RP1 (RP1 axonemal microtubule associated; plus strand). Cytogenetic location: 8q12.1.
Variant type: single nucleotide variant.
Coding change: c.4205G>T on transcript NM_006269.2 (MANE Select); coding-DNA position 4205, G replaced by T.
Protein change: p.Cys1402Phe; replaces cysteine 1402 with phenylalanine.
Molecular consequence: missense variant. On other transcripts: intron variant (1).
Genome position (GRCh38, 1-based): chr8:54,628,087, G>T. VCF-style: chr8-54628087-G-T. GRCh37 (hg19) VCF-style: chr8-55540647-G-T.
Other names: c.787+5799G>T (NM_001375654.1); short protein forms C1402F.
Identifiers: ClinVar variation 1024443 (VCV001024443.10), dbSNP rs774475397, ClinGen allele CA4751819.